The following is an entry in ClinVar:

ClinVar aggregate classification (germline): Uncertain significance (1 of 4 stars; one submission).

Conditions:
Hereditary cancer-predisposing syndrome. Also called: Neoplastic Syndromes, Hereditary; Tumor predisposition; Hereditary Cancer Syndrome; Hereditary neoplastic syndrome. Identifiers: Orphanet 140162, MedGen C0027672, MeSH D009386, MONDO:0015356.

Allele frequency attached by ClinVar (database versions not stated): gnomAD exomes below 0.00001.
gnomAD v4.1: 1 of 1,614,028 alleles (0.000062%); highest among the groups gnomAD compares: Non-Finnish European, 0.000085%; no homozygotes.

Submission:

Ambry Genetics
Classification: Uncertain significance for Hereditary cancer-predisposing syndrome. Last evaluated: 2024-09-18. Review status: criteria provided, single submitter. Criteria: Ambry Variant Classification Scheme 2023. Collection method: clinical testing. Allele origin: germline.
Comment: The p.S2473C variant (also known as c.7418C>G), located in coding exon 15 of the APC gene, results from a C to G substitution at nucleotide position 7418. The serine at codon 2473 is replaced by cysteine, an amino acid with dissimilar properties. This amino acid position is highly conserved in available vertebrate species. In addition, in silico predictors for this gene do not accurately predict pathogenicity. Missense alterations in APC are not a common cause of disease (Spier I et al. Genet Med. 2024 Feb;26(2):100992). Based on the available evidence, the clinical significance of this variant remains unclear.

NM_000038.6(APC):c.7418C>G (p.Ser2473Cys)

Gene: APC (APC regulator of Wnt signaling pathway; plus strand). Cytogenetic location: 5q22.2.
Variant type: single nucleotide variant.
Coding change: c.7418C>G on transcript NM_000038.6 (MANE Select); coding-DNA position 7418, C replaced by G.
Protein change: p.Ser2473Cys; replaces serine 2473 with cysteine.
Molecular consequence: missense variant.
Genome position (GRCh38, 1-based): chr5:112,843,012, C>G. VCF-style: chr5-112843012-C-G. GRCh37 (hg19) VCF-style: chr5-112178709-C-G.
Other names: c.7418C>G, p.Ser2473Cys (NM_001127510.3, NM_001354895.2, NM_001407450.1); c.7364C>G, p.Ser2455Cys (NM_001127511.3); c.7472C>G, p.Ser2491Cys (NM_001354896.2, NM_001407447.1, NM_001407448.1 and 1 more transcripts); c.7448C>G, p.Ser2483Cys (NM_001354897.2); c.7343C>G, p.Ser2448Cys (NM_001354898.2); c.7334C>G, p.Ser2445Cys (NM_001354899.2); c.7295C>G, p.Ser2432Cys (NM_001354900.2); c.7241C>G, p.Ser2414Cys (NM_001354901.2, NM_001407453.1); and 11 more; short protein forms S2347C, S2466C, S2313C, S2390C, S2432C, S2455C, S2463C, S2491C.
Identifiers: ClinVar variation 1758811 (VCV001758811.3), dbSNP rs1580682419, ClinGen allele CA16037476.